The following is an entry in ClinVar:

NM_005898.5(CAPRIN1):c.1072C>T (p.Arg358Ter)

Gene: CAPRIN1 (cell cycle associated protein 1; plus strand). Cytogenetic location: 11p13.
Variant type: single nucleotide variant.
Coding change: c.1072C>T on transcript NM_005898.5 (MANE Select); coding-DNA position 1072, C replaced by T.
Protein change: p.Arg358Ter; replaces arginine 358 with a stop codon.
Molecular consequence: nonsense.
Genome position (GRCh38, 1-based): chr11:34,086,169, C>T. VCF-style: chr11-34086169-C-T. GRCh37 (hg19) VCF-style: chr11-34107716-C-T.
Other names: c.1072C>T, p.Arg358Ter (NM_203364.3); c.1072C>T (NM_005898.4); short protein forms R358*.
Identifiers: ClinVar variation 4855968 (VCV004855968.2).

ClinVar aggregate classification (germline): Pathogenic. Review status: criteria provided, multiple submitters, no conflicts (2 of 4 stars). 2 submissions from 2 submitters: Pathogenic (2). Last evaluated 2026-04-01.

Conditions:
Neurodevelopmental disorder with language impairment, autism, and attention deficit-hyperactivity disorder. Identifiers: MedGen C5935603, MONDO:0968945, OMIM 620782.

gnomAD v4.1: 1 of 1,613,984 alleles (0.000062%); highest among the groups gnomAD compares: Non-Finnish European, 0.000085%; no homozygotes.

Submissions (2):

GeneDx
Classification: Pathogenic. Last evaluated: 2026-04-01. Review status: criteria provided, single submitter. Criteria: GeneDx Variant Classification Process June 2021. Collection method: clinical testing. Allele origin: germline.
Comment: Nonsense variant predicted to result in protein truncation or nonsense mediated decay in a gene for which loss of function is a known mechanism of disease; This variant is associated with the following publications: (PMID: 35979925)

3billion
Classification: Pathogenic for Neurodevelopmental disorder with language impairment, autism, and attention deficit-hyperactivity disorder. Last evaluated: 2025-12-16. Review status: criteria provided, single submitter. Criteria: ACMG Guidelines, 2015. Collection method: clinical testing. Allele origin: germline. Affected: yes.
Comment: The variant is observed at an extremely low frequency in the gnomAD v4.1.0 dataset (total allele frequency: <0.001%). Predicted Consequence/Location: Stop-gained (nonsense): predicted to result in a loss or disruption of normal protein function through nonsense-mediated decay (NMD) or protein truncation. Multiple pathogenic variants are reported downstream of the variant. The variant has been previously reported as de novo in a similarly affected individual (PMID: 35979925). The variant has been reported to be associated with CAPRIN1-related disorder (PMID: 35979925). Therefore, this variant is classified as Pathogenic according to the recommendation of ACMG/AMP guideline.

Literature cited by the submitters: PubMed 35979925 (cited by 3billion).